The following is an entry in ClinVar:

ClinVar aggregate classification (germline): Uncertain significance (1 of 4 stars; one submission).

Conditions:
Inborn genetic diseases. Identifiers: MedGen C0950123, MeSH D030342.

Submission:

Ambry Genetics
Classification: Uncertain significance for Inborn genetic diseases. Last evaluated: 2026-09-05. Review status: criteria provided, single submitter. Criteria: Ambry Variant Classification Scheme 2023. Collection method: clinical testing. Allele origin: germline.
Comment: The p.E1095K variant (also known as c.3283G>A), located in coding exon 24 of the ANKRD26 gene, results from a G to A substitution at nucleotide position 3283. The glutamic acid at codon 1095 is replaced by lysine, an amino acid with similar properties. This amino acid position is conserved. In addition, this alteration is predicted to be tolerated by in silico analysis. Based on the available evidence, the clinical significance of this variant remains unclear.

NM_014915.3(ANKRD26):c.3283G>A (p.Glu1095Lys)

Gene: ANKRD26 (ankyrin repeat domain 26; minus strand). Cytogenetic location: 10p12.1.
Variant type: single nucleotide variant.
Coding change: c.3283G>A on transcript NM_014915.3 (MANE Select); coding-DNA position 3283, G replaced by A.
Protein change: p.Glu1095Lys; replaces glutamic acid 1095 with lysine.
Molecular consequence: missense variant.
Genome position (GRCh38, 1-based): chr10:27,035,167, C>T on the plus strand (G>A on the coding strand, the complement: ANKRD26 is on the minus strand). VCF-style: chr10-27035167-C-T. GRCh37 (hg19) VCF-style: chr10-27324096-C-T.
Other names: c.3280G>A, p.Glu1094Lys (NM_001256053.2); short protein forms E1094K, E1095K.
Identifiers: ClinVar variation 5023770 (VCV005023770.1).